The following is an entry in ClinVar:

NM_004963.4(GUCY2C):c.2022_2023delinsTT (p.Ile674_Leu675=)

Gene: GUCY2C (guanylate cyclase 2C; minus strand). Cytogenetic location: 12p12.3.
Variant type: Indel.
Coding change: c.2022_2023delinsTT on transcript NM_004963.4 (MANE Select); coding-DNA positions 2022 to 2023, CC replaced by TT.
Protein change: p.Ile674_Leu675=.
Molecular consequence: synonymous variant.
Genome position (GRCh38, 1-based): chr12:14,641,127-14,641,128, GG replaced by AA on the plus strand (CC replaced by TT on the coding strand, the reverse complement: GUCY2C is on the minus strand). VCF-style: chr12-14641127-GG-AA. GRCh37 (hg19) VCF-style: chr12-14794061-GG-AA.
Identifiers: ClinVar variation 4808419 (VCV004808419.1).

ClinVar aggregate classification (germline): Uncertain significance (1 of 4 stars; one submission).

Submission:

Labcorp Genetics (formerly Invitae), Labcorp
Classification: Uncertain significance. Last evaluated: 2025-07-02. Review status: criteria provided, single submitter. Criteria: Invitae Variant Classification Sherloc (09022015). Collection method: clinical testing. Allele origin: germline.
Comment: This sequence change affects codon 674 of the GUCY2C mRNA. It is a 'silent' change, meaning that it does not change the encoded amino acid sequence of the GUCY2C protein. Information on the frequency of this variant in the gnomAD database is not available, as this variant may be reported differently in the database. This variant has not been reported in the literature in individuals affected with GUCY2C-related conditions. In summary, the available evidence is currently insufficient to determine the role of this variant in disease. Therefore, it has been classified as a Variant of Uncertain Significance.